The following is an entry in ClinVar:

NM_001366385.1(CARD14):c.1604A>G (p.Gln535Arg)

Gene: CARD14 (caspase recruitment domain family member 14; plus strand). Cytogenetic location: 17q25.3.
Variant type: single nucleotide variant.
Coding change: c.1604A>G on transcript NM_001366385.1 (MANE Select); coding-DNA position 1604, A replaced by G.
Protein change: p.Gln535Arg; replaces glutamine 535 with arginine.
Molecular consequence: missense variant. On other transcripts: non-coding transcript variant (1).
Genome position (GRCh38, 1-based): chr17:80,198,108, A>G. VCF-style: chr17-80198108-A-G. GRCh37 (hg19) VCF-style: chr17-78171907-A-G.
Other names: c.1604A>G, p.Gln535Arg (NM_001257970.1, NM_024110.4); c.893A>G, p.Gln298Arg (NM_052819.3); short protein forms Q535R, Q298R.
Identifiers: ClinVar variation 1966964 (VCV001966964.5), dbSNP rs937070738, ClinGen allele CA294875006.
Genomic context (GRCh38, chr17:80,198,108, plus strand): 5'-CCCATCAGCAGTGGGGTGACCAAGATCTGTGAGCTCTTGGCTTCCTCCCAGACCTTCCGC[A>G]GCTGGAAAGCAGCCTGCAGCCAGTCTCCCCTGGAAGGCTTGATGTCTCGGAGAGGTAAGC-3'
Protein context (NP_001353314.1, residues 525-545): YELLDTADLP[Gln535Arg]LESSLQPVSP

ClinVar aggregate classification (germline): Uncertain significance (1 of 4 stars; one submission).

Conditions:
Pityriasis rubra pilaris (PRP). Also called: Pityriasis rubra pilaris--familial type. Identifiers: Orphanet 2897, MedGen C0032027, MONDO:0100017, OMIM 173200, MONDO:0008251.
Psoriasis 2. Identifiers: MedGen C1864497, MONDO:0011269, OMIM 602723.

Allele frequency attached by ClinVar (database versions not stated): gnomAD exomes below 0.00001.

Submission:

Labcorp Genetics (formerly Invitae), Labcorp
Classification: Uncertain significance for Pityriasis rubra pilaris; Psoriasis 2. Last evaluated: 2026-01-16. Review status: criteria provided, single submitter. Criteria: Invitae Variant Classification Sherloc (09022015). Collection method: clinical testing. Allele origin: germline.
Comment: This sequence change replaces glutamine, which is neutral and polar, with arginine, which is basic and polar, at codon 535 of the CARD14 protein (p.Gln535Arg). This variant is not present in population databases (gnomAD no frequency). This missense change has been observed in individual(s) with CARD14-related conditions (PMID: 34448248). ClinVar contains an entry for this variant (Variation ID: 1966964). Invitae Evidence Modeling of protein sequence and biophysical properties (such as structural, functional, and spatial information, amino acid conservation, physicochemical variation, residue mobility, and thermodynamic stability) indicates that this missense variant is not expected to disrupt CARD14 protein function with a negative predictive value of 95%. In summary, the available evidence is currently insufficient to determine the role of this variant in disease. Therefore, it has been classified as a Variant of Uncertain Significance.

Literature cited by the submitters: PubMed 34448248.